The following is an entry in ClinVar:

ClinVar aggregate classification (germline): Uncertain significance (1 of 4 stars; one submission).

Conditions:
Mucopolysaccharidosis, MPS-III-B (MPS3B). Also called: N-ACETYL-ALPHA-D-GLUCOSAMINIDASE DEFICIENCY; NAGLU DEFICIENCY; SANFILIPPO SYNDROME B; MPS III B; Mucopolysaccharidosis type IIIB (Sanfilippo B); MPS IIIB (Sanfilippo Syndrome Type B). Identifiers: Orphanet 79270, MedGen C0086648, MONDO:0009656, OMIM 252920.
Charcot-Marie-Tooth disease axonal type 2V. Also called: CHARCOT-MARIE-TOOTH NEUROPATHY, TYPE 2V; CHARCOT-MARIE-TOOTH DISEASE, AXONAL, AUTOSOMAL DOMINANT, TYPE 2V. Identifiers: Orphanet 447964, MedGen C5569050, MONDO:0014665, OMIM 616491.

Allele frequency attached by ClinVar (database versions not stated): gnomAD exomes below 0.00001.
gnomAD v4.1: 1 of 1,613,776 alleles (0.000062%); highest among the groups gnomAD compares: African/African-American, 0.0013%; no homozygotes.

Submission:

Labcorp Genetics (formerly Invitae), Labcorp
Classification: Uncertain significance for Charcot-Marie-Tooth disease axonal type 2V; Mucopolysaccharidosis, MPS-III-B. Last evaluated: 2022-02-17. Review status: criteria provided, single submitter. Criteria: Invitae Variant Classification Sherloc (09022015). Collection method: clinical testing. Allele origin: germline.
Comment: In summary, the available evidence is currently insufficient to determine the role of this variant in disease. Therefore, it has been classified as a Variant of Uncertain Significance. Advanced modeling of protein sequence and biophysical properties (such as structural, functional, and spatial information, amino acid conservation, physicochemical variation, residue mobility, and thermodynamic stability) performed at Invitae indicates that this missense variant is expected to disrupt NAGLU protein function. This variant has not been reported in the literature in individuals affected with NAGLU-related conditions. This variant is not present in population databases (gnomAD no frequency). This sequence change replaces serine, which is neutral and polar, with arginine, which is basic and polar, at codon 685 of the NAGLU protein (p.Ser685Arg).

NM_000263.4(NAGLU):c.2053A>C (p.Ser685Arg)

Gene: NAGLU (N-acetyl-alpha-glucosaminidase; plus strand). Cytogenetic location: 17q21.2.
Variant type: single nucleotide variant.
Coding change: c.2053A>C on transcript NM_000263.4 (MANE Select); coding-DNA position 2053, A replaced by C.
Protein change: p.Ser685Arg; replaces serine 685 with arginine.
Molecular consequence: missense variant.
Genome position (GRCh38, 1-based): chr17:42,544,059, A>C. VCF-style: chr17-42544059-A-C. GRCh37 (hg19) VCF-style: chr17-40696077-A-C.
Other names: short protein forms S685R.
Identifiers: ClinVar variation 1951582 (VCV001951582.5), dbSNP rs2143115890, ClinGen allele CA399606013.